The following is an entry in ClinVar:

ClinVar aggregate classification (germline): Uncertain significance. Review status: criteria provided, multiple submitters, no conflicts (2 of 4 stars). 2 submissions from 2 submitters: Uncertain significance (2). Last evaluated 2023-10-11.

Conditions:
Familial cancer of breast. Also called: hereditary breast carcinoma; BREAST CANCER, FAMILIAL; Hereditary breast cancer. Identifiers: Orphanet 227535, MedGen C0346153, MONDO:0016419, OMIM 114480. Disease mechanism: loss of function.
Breast-ovarian cancer, familial, susceptibility to, 2 (BROVCA2). Also called: BRCA2 Hereditary Breast and Ovarian Cancer. Identifiers: Orphanet 145, MedGen C2675520, MONDO:0012933, OMIM 612555. Disease mechanism: loss of function.

Submissions (2):

Baylor Genetics
Classification: Uncertain significance for Familial cancer of breast. Last evaluated: 2023-10-11. Review status: criteria provided, single submitter. Criteria: ACMG Guidelines, 2015. Collection method: clinical testing. Allele origin: unknown.

All of Us Research Program, National Institutes of Health
Classification: Uncertain significance for Breast-ovarian cancer, familial, susceptibility to, 2. Last evaluated: 2023-04-27. Review status: criteria provided, single submitter. Criteria: ACMG Guidelines, 2015. Collection method: clinical testing. Allele origin: germline. Inheritance: Autosomal dominant inheritance. Observed: 1 variant allele, 1 heterozygote.
Comment: This study involves interpretation of variants in research participants for the purpose of population health screening. Participant phenotype was not available at the time of variant classification. Additional details can be found in publication PMID: 35346344, PMCID: PMC8962531

NM_000059.4(BRCA2):c.6599_6601del (p.Phe2200del)

Gene: BRCA2 (BRCA2 DNA repair associated; plus strand). Cytogenetic location: 13q13.1.
Variant type: Deletion.
Coding change: c.6599_6601del on transcript NM_000059.4 (MANE Select); coding-DNA positions 6599 to 6601, 3 bases deleted (TTT; older notation c.6599_6601delTTT).
Protein change: p.Phe2200del; deletes phenylalanine 2200.
Molecular consequence: non-coding transcript variant (on NR_176251.1). On other transcripts: intron variant (2).
Genome position (GRCh38, 1-based): chr13:32,340,954-32,340,956, TTT deleted; deleting any 3 consecutive bases within chr13:32,340,952-32,340,956 gives the same sequence; the c. name uses the placement nearest the transcript's 3' end. VCF-style (leftmost placement, unchanged base first): chr13-32340951-CTTT-C. GRCh37 (hg19) VCF-style: chr13-32915088-CTTT-C.
Other names: c.6599_6601del, p.Phe2200del (NM_001406719.1, NM_001406720.1); c.1910-3604_1910-3602del (NM_001406721.1); c.425-3604_425-3602del (NM_001406722.1); short protein forms F2200del.
Identifiers: ClinVar variation 2680244 (VCV002680244.2), dbSNP rs80359607, ClinGen allele CA2622600311.